The following is an entry in ClinVar:

NM_001378969.1(KCND3):c.1519-96G>A

Gene: KCND3 (potassium voltage-gated channel subfamily D member 3; minus strand). Cytogenetic location: 1p13.2.
Variant type: single nucleotide variant.
Coding change: c.1519-96G>A on transcript NM_001378969.1 (MANE Select); 96 bases into the intron before coding-DNA position 1519, G replaced by A.
Molecular consequence: intron variant.
Genome position (GRCh38, 1-based): chr1:111,777,369, C>T on the plus strand (G>A on the coding strand, the complement: KCND3 is on the minus strand). VCF-style: chr1-111777369-C-T. GRCh37 (hg19) VCF-style: chr1-112319991-C-T.
Other names: c.1462-96G>A (NM_001378970.1, NM_172198.3); c.1519-96G>A (NM_004980.5).
Identifiers: ClinVar variation 679013 (VCV000679013.2), dbSNP rs147765490, ClinGen allele CA28897408.

ClinVar aggregate classification (germline): Likely benign. Review status: criteria provided, multiple submitters, no conflicts (2 of 4 stars). 2 submissions from 2 submitters: Likely benign (2). Last evaluated 2018-06-14.

Allele frequency attached by ClinVar (database versions not stated): 1000 Genomes Project 30x 0.00375; 1000 Genomes Project 0.00419; TOPMed 0.00745; gnomAD 0.00766 and 0.00798; gnomAD exomes 0.01058.
gnomAD v4.1: 14,155 of 1,391,156 alleles (1%); highest among the groups gnomAD compares: Non-Finnish European, 1.3%; 101 homozygotes.

Submissions (2):

GeneDx
Classification: Likely benign. Last evaluated: 2018-06-14. Review status: criteria provided, single submitter. Criteria: GeneDx Variant Classification (06012015). Collection method: clinical testing. Allele origin: germline. Affected: yes.
Comment: This variant is considered likely benign or benign based on one or more of the following criteria: it is a conservative change, it occurs at a poorly conserved position in the protein, it is predicted to be benign by multiple in silico algorithms, and/or has population frequency not consistent with disease.

Breakthrough Genomics
Classification: Likely benign. Review status: criteria provided, single submitter. Criteria: ACMG Guidelines, 2015. Collection method: not provided. Allele origin: germline. Inheritance: Autosomal dominant inheritance. Affected: yes.